The following is an entry in ClinVar:

NC_000005.9:g.(?_178408658)_(178541345_?)dup

Genes: ZNF354C (zinc finger protein 354C; plus strand), ZNF879 (zinc finger protein 879; plus strand), GRM6 (glutamate metabotropic receptor 6; minus strand), ADAMTS2 (ADAM metallopeptidase with thrombospondin type 1 motif 2; minus strand). Cytogenetic location: 5q35.3.
Variant type: Duplication.
Identifiers: ClinVar variation 1429944 (VCV001429944.6).

ClinVar aggregate classification (germline): Uncertain significance (1 of 4 stars; one submission).

Conditions:
Ehlers-Danlos syndrome, dermatosparaxis type. Also called: Ehlers-Danlos syndrome, type VII, autosomal recessive; EDS VIIC; Dermatosparaxis. Identifiers: Orphanet 1901, MedGen C2700425, MONDO:0009161, OMIM 225410.

Submission:

Labcorp Genetics (formerly Invitae), Labcorp
Classification: Uncertain significance for Ehlers-Danlos syndrome, dermatosparaxis type. Last evaluated: 2023-07-07. Review status: criteria provided, single submitter. Criteria: Invitae Variant Classification Sherloc (09022015). Collection method: clinical testing. Allele origin: germline.
Comment: This variant has not been reported in the literature in individuals affected with ADAMTS2-related conditions. In summary, the available evidence is currently insufficient to determine the role of this variant in disease. Therefore, it has been classified as a Variant of Uncertain Significance. Experimental studies and prediction algorithms are not available or were not evaluated, and the functional significance of this variant is currently unknown. This variant results in a copy number gain of the genomic region encompassing exon(s) 22 of the ADAMTS2 gene. This region includes the termination codon of the gene. This copy number gain extends beyond the assayed region for this gene and therefore may encompass additional genes. As the precise location of this event is unknown, it may be in tandem or it may be located elsewhere in the genome.